The following is an entry in ClinVar:

ClinVar aggregate classification (germline): Pathogenic/Likely pathogenic. Review status: criteria provided, multiple submitters, no conflicts (2 of 4 stars). 3 submissions from 3 submitters: Pathogenic (1); Likely pathogenic (2). Last evaluated 2026-05-22.

Conditions:
NF1-related disorder. Also called: NF1-related condition. Identifiers: MedGen CN379171.
Hereditary cancer-predisposing syndrome. Also called: Hereditary neoplastic syndrome; Hereditary Cancer Syndrome; Neoplastic Syndromes, Hereditary; Tumor predisposition. Identifiers: Orphanet 140162, MedGen C0027672, MeSH D009386, MONDO:0015356.
Cardiovascular phenotype. Identifiers: MedGen CN230736.
Neurofibromatosis, type 1 (NF1). Also called: Peripheral type neurofibromatosis; Neurofibromatosis, type I; VON RECKLINGHAUSEN DISEASE; NEUROFIBROMATOSIS, TYPE I, SOMATIC. Identifiers: Orphanet 636, MedGen C0027831, MONDO:0018975, OMIM 162200. Disease mechanism: loss of function.

Submissions (3):

PreventionGenetics, part of Exact Sciences
Classification: Likely pathogenic for NF1-related condition. Last evaluated: 2026-05-22. Review status: criteria provided, single submitter. Criteria: ACMG Guidelines, 2015. Collection method: clinical testing. Allele origin: germline.
Comment: The NF1 c.6054T>G variant is predicted to result in the amino acid substitution p.Ser2018Arg. This variant is also referred to as c.5991T>G (p.Ser1997Arg) in alternate transcript (NM_000267). To our knowledge, this variant has not been reported in the literature or in a large population database, indicating this variant is rare. A different nucleotide variant that results in the same amino acid substitution, c.6052A>C (p.Ser2018Arg), has been reported in individuals with neurofibromatosis type 1 (Tsipi et al. 2018. PubMed ID: 30308447; Bianchessi et al. 2020. PubMed ID: 32575496). Additionally, an in vitro functional study expressing the p.Ser2018Arg variant in HEK293 cells demonstrated neurofibromin protein levels similar to wildtype (~91%), but an increase in Ras signaling from increased GTP‐Ras and pERK/ERK levels (Long et al. 2021. PubMed ID: 34694046). Different missense variants impacting the same amino acid (p.Ser2018Gly and p.Ser2018Ile) have also been reported in individuals with NF1-related syndromes (de novo, Lopez et al 2019. PubMed ID: 29368848; Table S4, Paulo et al. 2017. PubMed ID: 28529006), suggesting the p.Ser2018 residue is important for NF1 function. The c.60554T>G (p.Ser2018Arg) variant is interpreted as likely pathogenic.

Labcorp Genetics (formerly Invitae), Labcorp
Classification: Pathogenic for Neurofibromatosis, type 1. Last evaluated: 2025-12-28. Review status: criteria provided, single submitter. Criteria: Invitae Variant Classification Sherloc (09022015). Collection method: clinical testing. Allele origin: germline.
Comment: This sequence change replaces serine, which is neutral and polar, with arginine, which is basic and polar, at codon 1997 of the NF1 protein (p.Ser1997Arg). This variant is not present in population databases (gnomAD no frequency). This missense change has been observed in individual(s) with neurofibromatosis type I (PMID: 34694046). In at least one individual the variant was observed to be de novo. Invitae Evidence Modeling of clinical and family history, age, sex, and reported ancestry of multiple individuals with this NF1 variant has been performed. This variant is expected to be pathogenic with a positive predictive value of at least 99%. This is a validated machine learning model that incorporates the clinical features of 1,785,918 individuals referred to our laboratory for NF1 testing. ClinVar contains an entry for this variant (Variation ID: 527592). Invitae Evidence Modeling of protein sequence and biophysical properties (such as structural, functional, and spatial information, amino acid conservation, physicochemical variation, residue mobility, and thermodynamic stability) indicates that this missense variant is expected to disrupt NF1 protein function with a positive predictive value of 95%. Experimental studies have shown that this missense change affects NF1 function (PMID: 34694046). For these reasons, this variant has been classified as Pathogenic.

Ambry Genetics
Classification: Likely pathogenic for Cardiovascular phenotype; Hereditary cancer-predisposing syndrome. Last evaluated: 2024-03-12. Review status: criteria provided, single submitter. Criteria: Ambry Variant Classification Scheme 2023. Collection method: clinical testing. Allele origin: germline.
Comment: The c.5991T>G (p.S1997R) alteration is located in exon 40 (coding exon 40) of the NF1 gene. This alteration results from a T to G substitution at nucleotide position 5991, causing the serine (S) at amino acid position 1997 to be replaced by an arginine (R). This variant was not reported in population-based cohorts in the Genome Aggregation Database (gnomAD). Four alterations at the same codon, c.5989A>C (p.S1997R), c.5989A>G (p.S1997G), c.5990G>T (p.S1997I), and c.5990G>A (p.S1997N), have been observed in multiple individuals with features consistent with neurofibromatosis type 1 and reported to be the result of a de novo mutation in at least one individual (Paulo, 2017; Tsipi, 2018; Lopez, 2019; Bianchessi, 2020; Ambry internal data; external communication). This amino acid position is highly conserved in available vertebrate species. This missense alteration is located in a region that has a low rate of benign missense variation (Lek, 2016; Firth, 2009). Functional studies showed abnormal function in an overexpression assay involving mouse NF1 with p.S1997R in HEK293 cells; however, the physiological relevance of this finding is unclear (Long, 2022). This alteration is predicted to be deleterious by in silico analysis. Based on the available evidence, this alteration is classified as likely pathogenic.

Literature cited by the submitters: PubMed 34694046 (cited by Labcorp Genetics (formerly Invitae), Labcorp).

NM_001042492.3(NF1):c.6054T>G (p.Ser2018Arg)

Gene: NF1 (neurofibromin 1; plus strand). Cytogenetic location: 17q11.2.
Variant type: single nucleotide variant.
Coding change: c.6054T>G on transcript NM_001042492.3 (MANE Select); coding-DNA position 6054, T replaced by G.
Protein change: p.Ser2018Arg; replaces serine 2018 with arginine.
Molecular consequence: missense variant.
Genome position (GRCh38, 1-based): chr17:31,336,380, T>G. VCF-style: chr17-31336380-T-G. GRCh37 (hg19) VCF-style: chr17-29663398-T-G.
Other names: c.5991T>G, p.Ser1997Arg (NM_000267.4); short protein forms S1997R, S2018R.
Identifiers: ClinVar variation 527592 (VCV000527592.10), dbSNP rs1555534600, ClinGen allele CA399011122.
Genomic context (GRCh38, chr17:31,336,380, plus strand): 5'-CTTCTTCAACTAGATTACAGATCTGCTTGATGTTGTACTAGACAGTTTCATCAAAACCAG[T>G]GCAACAGGTGGCTTGGGATCAATAAAAGCTGAGGTGATGGCAGATACTGCTGTAGCTTTG-3'
Protein context (NP_001035957.1, residues 2008-2028): DVVLDSFIKT[Ser2018Arg]ATGGLGSIKA